The following is an entry in ClinVar:

ClinVar aggregate classification (germline): Uncertain significance (1 of 4 stars; one submission).

Submission:

Women's Health and Genetics/Laboratory Corporation of America, LabCorp
Classification: Uncertain significance. Last evaluated: 2025-10-16. Review status: criteria provided, single submitter. Criteria: LabCorp Variant Classification Summary - May 2015. Collection method: clinical testing. Allele origin: germline.
Comment: Variant summary: GABRB1 c.905dupA (p.Tyr302X) results in a premature termination codon, predicted to cause a truncation of the encoded protein or absence of the protein due to nonsense mediated decay, however current evidence is not sufficient to establish loss of function as a mechanism for disease. The variant was absent in 251370 control chromosomes. The available data on variant occurrences in the general population are insufficient to allow any conclusion about variant significance. To our knowledge, no occurrence of c.905dupA in individuals affected with GABRB1-related conditions and no experimental evidence demonstrating its impact on protein function have been reported. No submitters have cited clinical-significance assessments for this variant to ClinVar. Based on the evidence outlined above, the variant was classified as uncertain significance.

NM_000812.4(GABRB1):c.905dup (p.Tyr302Ter)

Gene: GABRB1 (gamma-aminobutyric acid type A receptor subunit beta1; plus strand). Cytogenetic location: 4p12.
Variant type: Duplication.
Coding change: c.905dup on transcript NM_000812.4 (MANE Select); coding-DNA position 905, one base duplicated (A; older notation c.905dupA).
Protein change: p.Tyr302Ter; replaces tyrosine 302 with a stop codon.
Molecular consequence: nonsense.
Genome position (GRCh38, 1-based): chr4:47,406,751, A duplicated. VCF-style (leftmost placement, unchanged base first): chr4-47406750-T-TA. GRCh37 (hg19) VCF-style: chr4-47408767-T-TA.
Other names: c.905dupA (NM_000812.4); short protein forms Y302*.
Identifiers: ClinVar variation 4687249 (VCV004687249.1).